The following is an entry in ClinVar:

ClinVar aggregate classification (germline): Uncertain significance. Review status: criteria provided, multiple submitters, no conflicts (2 of 4 stars). 2 submissions from 2 submitters: Uncertain significance (2). Last evaluated 2025-12-03.

Conditions:
Joubert syndrome 33. Identifiers: MedGen C4540389, MONDO:0033311, OMIM 617767.
Inborn genetic diseases. Identifiers: MedGen C0950123, MeSH D030342.

Allele frequency attached by ClinVar (database versions not stated): TOPMed below 0.00001; ExAC 0.00001; gnomAD exomes 0.00001 and 0.00002; gnomAD 0.00001.
gnomAD v4.1: 29 of 1,611,588 alleles (0.0018%); highest among the groups gnomAD compares: Non-Finnish European, 0.0024%; no homozygotes.

Submissions (2):

Ambry Genetics
Classification: Uncertain significance for Inborn genetic diseases. Last evaluated: 2025-12-03. Review status: criteria provided, single submitter. Criteria: Ambry Variant Classification Scheme 2023. Collection method: clinical testing. Allele origin: germline.

Baylor Genetics
Classification: Uncertain significance for Joubert syndrome 33. Last evaluated: 2018-08-30. Review status: criteria provided, single submitter. Criteria: ACMG Guidelines, 2015. Collection method: clinical testing. Allele origin: paternal. Affected: yes.
Comment: This variant was determined to be of uncertain significance according to ACMG Guidelines, 2015 [PMID:25741868].

NM_006346.4(PIBF1):c.2113C>A (p.Leu705Ile)

Gene: PIBF1 (progesterone immunomodulatory binding factor 1; plus strand). Cytogenetic location: 13q22.1.
Variant type: single nucleotide variant.
Coding change: c.2113C>A on transcript NM_006346.4 (MANE Select); coding-DNA position 2113, C replaced by A.
Protein change: p.Leu705Ile; replaces leucine 705 with isoleucine.
Molecular consequence: missense variant. On other transcripts: non-coding transcript variant (2).
Genome position (GRCh38, 1-based): chr13:72,998,885, C>A. VCF-style: chr13-72998885-C-A. GRCh37 (hg19) VCF-style: chr13-73573023-C-A.
Other names: c.2200C>A, p.Leu734Ile (NM_001349655.2); short protein forms L734I, L705I.
Identifiers: ClinVar variation 1032433 (VCV001032433.2), dbSNP rs758859825, ClinGen allele CA7002539.